The following is an entry in ClinVar:

NM_001098511.3(KIF2A):c.872+4G>A

Gene: KIF2A (kinesin family member 2A; plus strand). Cytogenetic location: 5q12.1.
Variant type: single nucleotide variant.
Coding change: c.872+4G>A on transcript NM_001098511.3 (MANE Select); 4 bases into the intron after coding-DNA position 872, G replaced by A.
Molecular consequence: intron variant.
Genome position (GRCh38, 1-based): chr5:62,358,303, G>A. VCF-style: chr5-62358303-G-A. GRCh37 (hg19) VCF-style: chr5-61654130-G-A.
Other names: c.791+4G>A (NM_001243952.2); c.872+4G>A (NM_004520.5); c.815+4G>A (NM_001243953.2).
Identifiers: ClinVar variation 2812088 (VCV002812088.3), dbSNP rs2531344786, ClinGen allele CA2673983539.

ClinVar aggregate classification (germline): Uncertain significance (1 of 4 stars; one submission).

Submission:

Labcorp Genetics (formerly Invitae), Labcorp
Classification: Uncertain significance. Last evaluated: 2023-01-16. Review status: criteria provided, single submitter. Criteria: Invitae Variant Classification Sherloc (09022015). Collection method: clinical testing. Allele origin: germline.
Comment: This variant is not present in population databases (gnomAD no frequency). In summary, the available evidence is currently insufficient to determine the role of this variant in disease. Therefore, it has been classified as a Variant of Uncertain Significance. Variants that disrupt the consensus splice site are a relatively common cause of aberrant splicing (PMID: 17576681, 9536098). Algorithms developed to predict the effect of sequence changes on RNA splicing suggest that this variant is not likely to affect RNA splicing. This variant has not been reported in the literature in individuals affected with KIF2A-related conditions. This sequence change falls in intron 9 of the KIF2A gene. It does not directly change the encoded amino acid sequence of the KIF2A protein. It affects a nucleotide within the consensus splice site.

Literature cited by the submitters: PubMed 17576681; PubMed 9536098.